The following is an entry in ClinVar:

ClinVar aggregate classification (germline): Uncertain significance (1 of 4 stars; one submission).

Conditions:
Combined immunodeficiency due to DOCK8 deficiency (HIES2). Also called: HIES autosomal recessive; Hyper-IgE recurrent infection syndrome, autosomal recessive; HYPER-IgE RECURRENT INFECTION SYNDROME 2, AUTOSOMAL RECESSIVE; DOCK8 Deficiency; HYPER-IgE SYNDROME 2, AUTOSOMAL RECESSIVE, WITH RECURRENT INFECTIONS. Identifiers: Orphanet 217390, MedGen C4722305, MONDO:0009478, OMIM 243700.

Submission:

Labcorp Genetics (formerly Invitae), Labcorp
Classification: Uncertain significance for Combined immunodeficiency due to DOCK8 deficiency. Last evaluated: 2024-03-22. Review status: criteria provided, single submitter. Criteria: Invitae Variant Classification Sherloc (09022015). Collection method: clinical testing. Allele origin: germline.
Comment: This sequence change replaces valine, which is neutral and non-polar, with glycine, which is neutral and non-polar, at codon 1464 of the DOCK8 protein (p.Val1464Gly). This variant is present in population databases (no rsID available, gnomAD 0.007%). This variant has not been reported in the literature in individuals affected with DOCK8-related conditions. Advanced modeling of protein sequence and biophysical properties (such as structural, functional, and spatial information, amino acid conservation, physicochemical variation, residue mobility, and thermodynamic stability) has been performed at Invitae for this missense variant, however the output from this modeling did not meet the statistical confidence thresholds required to predict the impact of this variant on DOCK8 protein function. In summary, the available evidence is currently insufficient to determine the role of this variant in disease. Therefore, it has been classified as a Variant of Uncertain Significance.

NM_203447.4(DOCK8):c.4391T>G (p.Val1464Gly)

Gene: DOCK8 (dedicator of cytokinesis 8; plus strand). Cytogenetic location: 9p24.3.
Variant type: single nucleotide variant.
Coding change: c.4391T>G on transcript NM_203447.4 (MANE Select); coding-DNA position 4391, T replaced by G.
Protein change: p.Val1464Gly; replaces valine 1464 with glycine.
Molecular consequence: missense variant.
Genome position (GRCh38, 1-based): chr9:428,414, T>G. VCF-style: chr9-428414-T-G. GRCh37 (hg19) VCF-style: chr9-428414-T-G.
Other names: c.4091T>G, p.Val1364Gly (NM_001190458.2); c.4187T>G, p.Val1396Gly (NM_001193536.2); short protein forms V1364G, V1396G, V1464G.
Identifiers: ClinVar variation 3604608 (VCV003604608.2).
Genomic context (GRCh38, chr9:428,414, plus strand): 5'-TCCCCCAGGCGAGCTCGGCTCTGGACTGTAAAGACAGCCTGCTGGGAGGTGTTCTGAGGG[T>G]GCTGGTGAATTCTCTGAACTGTGATCAGAGTACCACCTACCTGACTCACTGCTTTGCAAC-3'
Protein context (NP_982272.2, residues 1454-1474): KDSLLGGVLR[Val1464Gly]LVNSLNCDQS